The following is an entry in ClinVar:

ClinVar aggregate classification (germline): Uncertain significance (1 of 4 stars; one submission).

Conditions:
PCNT-related disorder. Also called: PCNT-related condition.

Submission:

PreventionGenetics, part of Exact Sciences
Classification: Uncertain significance for PCNT-related condition. Last evaluated: 2026-02-18. Review status: criteria provided, single submitter. Criteria: ACMG Guidelines, 2015. Collection method: clinical testing. Allele origin: germline.
Comment: The PCNT c.6310C>T variant is predicted to result in the amino acid substitution p.His2104Tyr. To our knowledge, this variant has not been reported in the literature. This variant is reported in 0.0033% of alleles in individuals of South Asian descent in gnomAD. At this time, the clinical significance of this variant is uncertain due to the absence of conclusive functional and genetic evidence.

NM_006031.6(PCNT):c.6310C>T (p.His2104Tyr)

Gene: PCNT (pericentrin; plus strand). Cytogenetic location: 21q22.3.
Variant type: single nucleotide variant.
Coding change: c.6310C>T on transcript NM_006031.6 (MANE Select); coding-DNA position 6310, C replaced by T.
Protein change: p.His2104Tyr; replaces histidine 2104 with tyrosine.
Molecular consequence: missense variant.
Genome position (GRCh38, 1-based): chr21:46,416,228, C>T. VCF-style: chr21-46416228-C-T. GRCh37 (hg19) VCF-style: chr21-47836142-C-T.
Other names: c.5956C>T, p.His1986Tyr (NM_001315529.2); short protein forms H1986Y, H2104Y.
Identifiers: ClinVar variation 3353732 (VCV003353732.2).